The following is an entry in ClinVar:

ClinVar aggregate classification (germline): Likely pathogenic (1 of 4 stars; one submission).

Conditions:
Medium-chain acyl-coenzyme A dehydrogenase deficiency (ACADMD). Also called: ACADM DEFICIENCY; CARNITINE DEFICIENCY SECONDARY TO MEDIUM-CHAIN ACYL-CoA DEHYDROGENASE DEFICIENCY; Medium chain acyl-CoA dehydrogenase deficiency; MCADH DEFICIENCY; MCADD; MCAD Deficiency. Identifiers: Orphanet 42, MedGen C0220710, MONDO:0008721, OMIM 201450.

Submission:

Natera, Inc.
Classification: Likely pathogenic for Medium Chain Acyl-CoA Dehydrogenase Deficiency. Last evaluated: 2026-01-10. Review status: criteria provided, single submitter. Criteria: Natera Variant Classification Schema (03/2026). Collection method: clinical testing. Allele origin: germline.
Comment: The c.351del variant in ACADM is a frameshift variant predicted to shift the reading frame beginning at codon 119 and leads to a stop codon 31 codons downstream. This variant is expected to result in nonsense mediated decay, truncation, or a dysfunctional protein product. This variant is rare in the general population with a frequency below the threshold expected for the associated phenotype(s). Given the available evidence, this variant is classified as Likely Pathogenic.

NM_000016.6(ACADM):c.351del (p.Val119fs)

Gene: ACADM (acyl-CoA dehydrogenase medium chain; plus strand). Cytogenetic location: 1p31.1.
Variant type: Deletion.
Coding change: c.351del on transcript NM_000016.6 (MANE Select); coding-DNA position 351, one base deleted (A; older notation c.351delA).
Protein change: p.Val119fs; shifts the reading frame from valine 119.
Molecular consequence: frameshift variant. On other transcripts: intron variant (1).
Genome position (GRCh38, 1-based): chr1:75,733,592, A deleted. VCF-style (leftmost placement, unchanged base first): chr1-75733591-CA-C. GRCh37 (hg19) VCF-style: chr1-76199276-CA-C.
Other names: c.351delA, p.Val119Phefs (NM_000016.5); c.363del, p.Val123fs (NM_001127328.3); c.243del, p.Val83fs (NM_001286042.2); c.450del, p.Val152fs (NM_001286043.2); c.-100+670del (NM_001286044.2); short protein forms V119fs, V123fs, V152fs, V83fs.
Identifiers: ClinVar variation 4818577 (VCV004818577.1).